The following is an entry in ClinVar:

NM_014458.4(KLHL20):c.1403C>T (p.Ser468Phe)

Gene: KLHL20 (kelch like family member 20; plus strand). Cytogenetic location: 1q25.1.
Variant type: single nucleotide variant.
Coding change: c.1403C>T on transcript NM_014458.4 (MANE Select); coding-DNA position 1403, C replaced by T.
Protein change: p.Ser468Phe; replaces serine 468 with phenylalanine.
Molecular consequence: missense variant.
Genome position (GRCh38, 1-based): chr1:173,774,412, C>T. VCF-style: chr1-173774412-C-T. GRCh37 (hg19) VCF-style: chr1-173743551-C-T.
Other names: short protein forms S468F.
Identifiers: ClinVar variation 3764361 (VCV003764361.1).
Genomic context (GRCh38, chr1:173,774,412, plus strand): 5'-CCAGAAGACTAGGTGTGGCTGTGGCTGTGTTAGGAGGGTTCTTATATGCTGTAGGTGGCT[C>T]TGACGGGACATCTCCTCTCAACACAGGTTAGTCCCTCCCAAAGGCAATCAGGTTCCCCAA-3'
Protein context (NP_055273.2, residues 458-478): LGGFLYAVGG[Ser468Phe]DGTSPLNTVE

ClinVar aggregate classification (germline): Uncertain significance (1 of 4 stars; one submission).

Submission:

GeneDx
Classification: Uncertain significance. Last evaluated: 2024-08-20. Review status: criteria provided, single submitter. Criteria: GeneDx Variant Classification Process June 2021. Collection method: clinical testing. Allele origin: germline. Affected: yes.
Comment: Not observed at significant frequency in large population cohorts (gnomAD); In silico analysis indicates that this missense variant does not alter protein structure/function; Has not been previously published as pathogenic or benign to our knowledge